The following is an entry in ClinVar:

ClinVar aggregate classification (germline): Pathogenic. Review status: reviewed by expert panel (3 of 4 stars). 3 submissions from 3 submitters: Pathogenic (1). 2 of the submissions do not count toward it. Last evaluated 2016-10-18.

Conditions:
Hereditary breast ovarian cancer syndrome. Also called: Hereditary breast and ovarian cancer; Hereditary breast and ovarian cancer syndrome (HBOC); Hereditary breast and/or ovarian cancer syndrome; Breast and ovarian cancer; Hereditary breast and ovarian cancer syndrome; BRCA1- and BRCA2-Associated Hereditary Breast and Ovarian Cancer. Identifiers: Orphanet 145, MedGen C0677776, MeSH D061325, MONDO:0003582. Disease mechanism: loss of function.
Breast-ovarian cancer, familial, susceptibility to, 2 (BROVCA2). Also called: BRCA2 Hereditary Breast and Ovarian Cancer. Identifiers: Orphanet 145, MedGen C2675520, MONDO:0012933, OMIM 612555. Disease mechanism: loss of function.

Submissions (3):

Evidence-based Network for the Interpretation of Germline Mutant Alleles (ENIGMA)
Classification: Pathogenic for Breast-ovarian cancer, familial, susceptibility to, 2. Last evaluated: 2016-10-18. Review status: reviewed by expert panel. Criteria: ENIGMA BRCA1/2 Classification Criteria (2015). Collection method: curation. Allele origin: germline.
Comment: Variant allele predicted to encode a truncated non-functional protein.

Consortium of Investigators of Modifiers of BRCA1/2 (CIMBA), c/o University of Cambridge
Classification: Pathogenic for Breast-ovarian cancer, familial, susceptibility to, 2. Last evaluated: 2015-10-02. Review status: criteria provided, single submitter. Criteria: CIMBA Mutation Classification guidelines May 2016. Collection method: clinical testing. Allele origin: germline. Not counted in ClinVar's aggregate classification.

Department of Pathology and Laboratory Medicine, Sinai Health System
Classification: Likely pathogenic for Hereditary breast ovarian cancer syndrome. Review status: criteria provided, single submitter. Criteria: ACMG Guidelines, 2015. Collection method: clinical testing. Allele origin: germline. Affected: yes. Study: The Canadian Open Genetics Repository (COGR). Not counted in ClinVar's aggregate classification.

NM_000059.4(BRCA2):c.1368_1369dup (p.Lys457fs)

Gene: BRCA2 (BRCA2 DNA repair associated; plus strand). Cytogenetic location: 13q13.1.
Variant type: Microsatellite.
Coding change: c.1368_1369dup on transcript NM_000059.4 (MANE Select); coding-DNA positions 1368 to 1369, 2 bases duplicated (GA; older notation c.1368_1369dupGA).
Protein change: p.Lys457fs; shifts the reading frame from lysine 457.
Molecular consequence: frameshift variant.
Genome position (GRCh38, 1-based): chr13:32,332,846-32,332,847, GA duplicated; duplicating any 2 consecutive bases within chr13:32,332,843-32,332,847 gives the same sequence; the c. name uses the placement nearest the transcript's 3' end. VCF-style (leftmost placement, unchanged base first): chr13-32332842-C-CAG. GRCh37 (hg19) VCF-style: chr13-32906979-C-CAG.
Other names: 1595insGA; c.1368_1369dupGA (NM_000059.3); short protein forms K457fs.
Identifiers: ClinVar variation 266630 (VCV000266630.7), dbSNP rs397507583, ClinGen allele CA10589089.